The following is an entry in ClinVar:

ClinVar aggregate classification (germline): Uncertain significance (1 of 4 stars; one submission).

Conditions:
Tuberous sclerosis 2 (TSC2). Identifiers: Orphanet 805, MedGen C1860707, MONDO:0013199, OMIM 613254.

gnomAD v4.1: 1 of 1,612,904 alleles (0.000062%); highest among the groups gnomAD compares: East Asian, 0.0022%; no homozygotes.

Submission:

Labcorp Genetics (formerly Invitae), Labcorp
Classification: Uncertain significance for Tuberous sclerosis 2. Last evaluated: 2022-03-05. Review status: criteria provided, single submitter. Criteria: Invitae Variant Classification Sherloc (09022015). Collection method: clinical testing. Allele origin: germline.
Comment: This sequence change replaces serine, which is neutral and polar, with asparagine, which is neutral and polar, at codon 1211 of the TSC2 protein (p.Ser1211Asn). This variant is not present in population databases (gnomAD no frequency). This variant has not been reported in the literature in individuals affected with TSC2-related conditions. Advanced modeling of protein sequence and biophysical properties (such as structural, functional, and spatial information, amino acid conservation, physicochemical variation, residue mobility, and thermodynamic stability) performed at Invitae indicates that this missense variant is not expected to disrupt TSC2 protein function. In summary, the available evidence is currently insufficient to determine the role of this variant in disease. Therefore, it has been classified as a Variant of Uncertain Significance.

NM_000548.5(TSC2):c.3632G>A (p.Ser1211Asn)

Gene: TSC2 (TSC complex subunit 2; plus strand). Cytogenetic location: 16p13.3.
Variant type: single nucleotide variant.
Coding change: c.3632G>A on transcript NM_000548.5 (MANE Select); coding-DNA position 3632, G replaced by A.
Protein change: p.Ser1211Asn; replaces serine 1211 with asparagine.
Molecular consequence: missense variant.
Genome position (GRCh38, 1-based): chr16:2,081,616, G>A. VCF-style: chr16-2081616-G-A. GRCh37 (hg19) VCF-style: chr16-2131617-G-A.
Other names: c.2159G>A, p.Ser720Asn (NM_001406693.1, NM_001406694.1, NM_001406690.1 and 1 more transcripts); c.2156G>A, p.Ser719Asn (NM_001406695.1, NM_001406696.1, NM_001406697.1 and 1 more transcripts); c.3500G>A, p.Ser1167Asn (NM_001077183.3, NM_001370404.1, NM_001406665.1); c.3632G>A, p.Ser1211Asn (NM_001114382.3); c.3392G>A, p.Ser1131Asn (NM_001318827.2); c.3356G>A, p.Ser1119Asn (NM_001318829.2); c.2900G>A, p.Ser967Asn (NM_001318831.2, NM_001406687.1, NM_001406688.1); c.3533G>A, p.Ser1178Asn (NM_001318832.2); and 18 more; short protein forms S1148N, S1161N, S1167N, S1168N, S1197N, S720N, S1010N, S1014N.
Identifiers: ClinVar variation 1909851 (VCV001909851.5), dbSNP rs2544153125, ClinGen allele CA394291722.